The following is an entry in ClinVar:

NM_000410.4(HFE):c.693C>G (p.Tyr231Ter)

Gene: HFE (homeostatic iron regulator; plus strand). Cytogenetic location: 6p22.2.
Variant type: single nucleotide variant.
Coding change: c.693C>G on transcript NM_000410.4 (MANE Select); coding-DNA position 693, C replaced by G.
Protein change: p.Tyr231Ter; replaces tyrosine 231 with a stop codon.
Molecular consequence: nonsense. On other transcripts: intron variant (1).
Genome position (GRCh38, 1-based): chr6:26,092,761, C>G. VCF-style: chr6-26092761-C-G. GRCh37 (hg19) VCF-style: chr6-26092989-C-G.
Other names: c.693C>G, p.Tyr231Ter (NM_001300749.3, NM_001384164.1); c.684C>G, p.Tyr228Ter (NM_001406751.1); c.429C>G, p.Tyr143Ter (NM_001406752.1, NM_139007.3); c.375C>G, p.Tyr125Ter (NM_139003.3); c.417C>G, p.Tyr139Ter (NM_139004.3); c.651C>G, p.Tyr217Ter (NM_139006.3); c.387C>G, p.Tyr129Ter (NM_139008.3); c.624C>G, p.Tyr208Ter (NM_139009.3); and 2 more; short protein forms Y228*, Y125*, Y143*, Y217*, Y231*, Y129*, Y139*, Y208*.
Identifiers: ClinVar variation 3689840 (VCV003689840.2).
Genomic context (GRCh38, chr6:26,092,761, plus strand): 5'-GGTGACACATCATGTGACCTCTTCAGTGACCACTCTACGGTGTCGGGCCTTGAACTACTA[C>G]CCCCAGAACATCACCATGAAGTGGCTGAAGGATAAGCAGCCAATGGATGCCAAGGAGTTC-3'

ClinVar aggregate classification (germline): Pathogenic (1 of 4 stars; one submission).

Conditions:
Hereditary hemochromatosis (HFE). Identifiers: MedGen C0392514, MONDO:0006507. Disease mechanism: loss of function.

Submission:

Labcorp Genetics (formerly Invitae), Labcorp
Classification: Pathogenic for Hereditary hemochromatosis. Last evaluated: 2024-06-03. Review status: criteria provided, single submitter. Criteria: Invitae Variant Classification Sherloc (09022015). Collection method: clinical testing. Allele origin: germline.
Comment: This sequence change creates a premature translational stop signal (p.Tyr231*) in the HFE gene. It is expected to result in an absent or disrupted protein product. Loss-of-function variants in HFE are known to be pathogenic (PMID: 27518069). This variant is not present in population databases (gnomAD no frequency). This variant has not been reported in the literature in individuals affected with HFE-related conditions. For these reasons, this variant has been classified as Pathogenic.

Literature cited by the submitters: PubMed 27518069.